The following is an entry in ClinVar:

ClinVar aggregate classification (germline): Uncertain significance (1 of 4 stars; one submission).

Conditions:
Epilepsy, familial focal, with variable foci 1 (FFEVF1). Also called: DEPDC5-Related Epilepsy. Identifiers: MedGen C4551983, MONDO:0024556, OMIM 604364.

Submission:

New York Genome Center
Classification: Uncertain significance for Epilepsy, familial focal, with variable foci 1. Last evaluated: 2022-01-14. Review status: criteria provided, single submitter. Criteria: NYGC Assertion Criteria 2020. Collection method: clinical testing. Allele origin: inherited. Observed: 1 heterozygote. Study: CSER-NYCKidSeq.
Comment: The c.1655C>G (p.Thr552Ser) variant identified in the DEPDC5 gene substitutes a very well conserved Threonine for Serine at amino acid 552/1604 (coding exon 21/43). This variant is absent from gnomAD suggesting it is not a common benign variant in the populations represented in this database. In silico algorithms predict this variant to be Neutral (Provean; score:-0.49) and Tolerated (SIFT; score: 0.196) to the function of the canonical transcript. This variant is absent from ClinVar and to our current knowledge has not been reported in affected individuals in the literature. The p.Thr552 residue is not within a mapped domain of DEPDC5 (UniProtKB:O75140), however many variants outside of mapped domains have been identified in affected individuals in the literature [PMID: 23542697; PMID:26505888; PMID:31639411].Given the lack of compelling evidence for its pathogenicity, the c.1655C>G (p.Thr552Ser) variant identified in the DEPDC5 gene is reported here as a Variant of Uncertain Significance.

NM_001242896.3(DEPDC5):c.1655C>G (p.Thr552Ser)

Gene: DEPDC5 (DEP domain containing 5, GATOR1 subcomplex subunit; plus strand). Cytogenetic location: 22q12.3.
Variant type: single nucleotide variant.
Coding change: c.1655C>G on transcript NM_001242896.3 (MANE Select); coding-DNA position 1655, C replaced by G.
Protein change: p.Thr552Ser; replaces threonine 552 with serine.
Molecular consequence: missense variant. On other transcripts: non-coding transcript variant (5).
Genome position (GRCh38, 1-based): chr22:31,815,201, C>G. VCF-style: chr22-31815201-C-G. GRCh37 (hg19) VCF-style: chr22-32211187-C-G.
Other names: c.1655C>G, p.Thr552Ser (NM_001007188.4, NM_001136029.4, NM_001242897.2 and 7 more transcripts); c.1571C>G, p.Thr524Ser (NM_001369901.1, NM_001369902.1); short protein forms T524S, T552S.
Identifiers: ClinVar variation 983427 (VCV000983427.2), dbSNP rs2088928378, ClinGen allele CA411278546.